The following is an entry in ClinVar:

NM_005149.3(TBX19):c.782del (p.Asn261fs)

Gene: TBX19 (T-box transcription factor 19; plus strand). Cytogenetic location: 1q24.2.
Variant type: Deletion.
Coding change: c.782del on transcript NM_005149.3 (MANE Select); coding-DNA position 782, one base deleted (A; older notation c.782delA).
Protein change: p.Asn261fs; shifts the reading frame from asparagine 261.
Molecular consequence: frameshift variant.
Genome position (GRCh38, 1-based): chr1:168,305,062, A deleted; the last of 2 consecutive A bases (chr1:168,305,061-168,305,062); deleting either gives the same sequence. VCF-style (leftmost placement, unchanged base first): chr1-168305060-CA-C. GRCh37 (hg19) VCF-style: chr1-168274298-CA-C.
Other names: c.782delA (NM_005149.2); c.782del (NM_005149.2); short protein forms N261fs.
Identifiers: ClinVar variation 5443 (VCV000005443.45), dbSNP rs730880274, ClinGen allele CA250033.
Genomic context (GRCh38, chr1:168,305,060, plus strand): 5'-TATTTTAGTGGGAGGCTGGATCTTTTCCAATCCAGATGGAGTGTGCACAGCAGGAAACTC[CA>C]ATTACCAGTATGCCGCTCCTCTGCCTCTGCCTGCTCCCCACACCCACCATGGCTGTGAGC-3'

ClinVar aggregate classification (germline): Pathogenic. Review status: criteria provided, multiple submitters, no conflicts (2 of 4 stars). 8 submissions from 8 submitters: Pathogenic (4). 4 of the submissions do not count toward it. Last evaluated 2026-07-19.

Conditions:
TBX19-related disorder. Also called: TBX19-related condition.
Congenital isolated adrenocorticotropic hormone deficiency. Also called: ACTH DEFICIENCY, ISOLATED; ACTH deficiency; Adrenocorticotropic hormone deficiency. Identifiers: Orphanet 199296, MedGen C0342388, MONDO:0008720, OMIM 201400, HP:0011748.

Submissions (8):

GeneDx
Classification: Pathogenic. Last evaluated: 2026-07-19. Review status: criteria provided, single submitter. Criteria: GeneDx Variant Classification Process June 2021. Collection method: clinical testing. Allele origin: germline.
Comment: Frameshift variant predicted to result in protein truncation or nonsense mediated decay in a gene for which loss of function is a known mechanism of disease; This variant is associated with the following publications: (PMID: 12651888, 15476446, 33098107, 15613420, 36964972, 17652218)

CeGaT Center for Human Genetics Tuebingen
Classification: Pathogenic. Last evaluated: 2024-07-01. Review status: criteria provided, single submitter. Criteria: CeGaT Center For Human Genetics Tuebingen Variant Classification Criteria Version 2. Collection method: clinical testing. Allele origin: germline. Affected: yes. Observed: 2 variant alleles.
Comment: TBX19: PVS1, PM3:Strong, PM2

PreventionGenetics, part of Exact Sciences
Classification: Pathogenic for TBX19-related condition. Last evaluated: 2023-04-03. Review status: criteria provided, single submitter. Criteria: ACMG Guidelines, 2015. Collection method: clinical testing. Allele origin: germline.
Comment: The TBX19 c.782delA variant is predicted to result in a frameshift and premature protein termination (p.Asn261Ilefs*46). This variant has been reported in patients with isolated ACTH deficiency (Pulichino et al. 2003. PubMed ID: 12651888; Jullien et al. 2020. PubMed ID: 33098107). This variant is reported in 0.012% of alleles in individuals of European (Non-Finnish) descent in gnomAD. Frameshift variants in TBX19 are expected to be pathogenic. This variant is interpreted as pathogenic.

Women's Health and Genetics/Laboratory Corporation of America, LabCorp
Classification: Pathogenic for Congenital isolated adrenocorticotropic hormone deficiency. Last evaluated: 2022-04-06. Review status: criteria provided, single submitter. Criteria: LabCorp Variant Classification Summary - May 2015. Collection method: clinical testing. Allele origin: germline.
Comment: Variant summary: TBX19 c.782delA (p.Asn261IlefsX46) results in a premature termination codon, predicted to cause a truncation of the encoded protein or absence of the protein due to nonsense mediated decay, which are commonly known mechanisms for disease. The variant allele was found at a frequency of 6.4e-05 in 251390 control chromosomes. c.782delA has been reported in the literature in multiple individuals affected with Adrenocorticotropic Hormone Deficiency in the homozyous and compound heterozyous state (Metherell_2004, Vallette-Kasic_2005, Pulichino_2003). These data indicate that the variant is very likely to be associated with disease. Two clinical diagnostic laboratories have submitted clinical-significance assessments for this variant to ClinVar after 2014 without evidence for independent evaluation. All laboratories classified the variant as pathogenic. Based on the evidence outlined above, the variant was classified as pathogenic.

Clinical Molecular Genetics Laboratory, Johns Hopkins All Children's Hospital
Classification: Pathogenic for Congenital isolated adrenocorticotropic hormone deficiency. Last evaluated: 2014-03-04. Review status: no assertion criteria provided. Collection method: clinical testing. Allele origin: germline. Affected: yes. Not counted in ClinVar's aggregate classification.

OMIM
Classification: Pathogenic for ACTH DEFICIENCY, ISOLATED. Last evaluated: 2004-10-01. Review status: no assertion criteria provided. Collection method: literature only. Allele origin: germline. Not counted in ClinVar's aggregate classification.

Clinical Genetics DNA and cytogenetics Diagnostics Lab, Erasmus MC, Erasmus Medical Center
Classification: Pathogenic. Review status: no assertion criteria provided. Collection method: clinical testing. Allele origin: germline. Affected: yes. Study: VKGL Data-share Consensus. Not counted in ClinVar's aggregate classification.

Diagnostic Laboratory, Department of Genetics, University Medical Center Groningen
Classification: Pathogenic. Review status: no assertion criteria provided. Collection method: clinical testing. Allele origin: germline. Affected: yes. Study: VKGL Data-share Consensus. Not counted in ClinVar's aggregate classification.

Literature cited by the submitters: PubMed 15476446 (cited by Women's Health and Genetics/Laboratory Corporation of America, LabCorp and OMIM); PubMed 12651888 (cited by Women's Health and Genetics/Laboratory Corporation of America, LabCorp); PubMed 15613420 (cited by Women's Health and Genetics/Laboratory Corporation of America, LabCorp).